The following is an entry in ClinVar:

ClinVar aggregate classification (germline): Uncertain significance (1 of 4 stars; one submission).

Submission:

GeneDx
Classification: Uncertain significance. Last evaluated: 2023-12-18. Review status: criteria provided, single submitter. Criteria: GeneDx Variant Classification Process June 2021. Collection method: clinical testing. Allele origin: germline. Affected: yes.
Comment: Not observed at significant frequency in large population cohorts (gnomAD); In silico analysis supports that this missense variant has a deleterious effect on protein structure/function; Has not been previously published as pathogenic or benign to our knowledge; This variant is associated with the following publications: (PMID: 25512093, 25609763, 26100331, 33453472)

NM_001376.5(DYNC1H1):c.9127A>G (p.Met3043Val)

Genes: DYNC1H1 (dynein cytoplasmic 1 heavy chain 1; plus strand), LOC126862060 (BRD4-independent group 4 enhancer GRCh37_chr14:102493659-102494858; plus strand). Cytogenetic location: 14q32.31.
Variant type: single nucleotide variant.
Coding change: c.9127A>G on transcript NM_001376.5 (MANE Select); coding-DNA position 9127, A replaced by G.
Protein change: p.Met3043Val; replaces methionine 3043 with valine.
Molecular consequence: missense variant.
Genome position (GRCh38, 1-based): chr14:102,027,697, A>G. VCF-style: chr14-102027697-A-G. GRCh37 (hg19) VCF-style: chr14-102494034-A-G.
Other names: short protein forms M3043V.
Identifiers: ClinVar variation 3365692 (VCV003365692.1).